The following is an entry in ClinVar:

ClinVar aggregate classification (germline): Uncertain significance (1 of 4 stars; one submission).

Conditions:
EP300-related disorder. Also called: EP300-related condition; EP300-related disorders.

gnomAD v4.1: 4 of 1,614,134 alleles (0.00025%); highest among the groups gnomAD compares: Non-Finnish European, 0.00034%; no homozygotes.

Submission:

PreventionGenetics, part of Exact Sciences
Classification: Uncertain significance for EP300-related condition. Last evaluated: 2025-01-15. Review status: criteria provided, single submitter. Criteria: ACMG Guidelines, 2015. Collection method: clinical testing. Allele origin: germline.
Comment: The EP300 c.5318G>A variant is predicted to result in the amino acid substitution p.Arg1773Gln. To our knowledge, this variant has not been reported in the literature or in a large population database (gnomAD), indicating this variant is rare. At this time, the clinical significance of this variant is uncertain due to the absence of conclusive functional and genetic evidence.

NM_001429.4(EP300):c.5318G>A (p.Arg1773Gln)

Gene: EP300 (EP300 lysine acetyltransferase; plus strand). Cytogenetic location: 22q13.2.
Variant type: single nucleotide variant.
Coding change: c.5318G>A on transcript NM_001429.4 (MANE Select); coding-DNA position 5318, G replaced by A.
Protein change: p.Arg1773Gln; replaces arginine 1773 with glutamine.
Molecular consequence: missense variant.
Genome position (GRCh38, 1-based): chr22:41,177,029, G>A. VCF-style: chr22-41177029-G-A. GRCh37 (hg19) VCF-style: chr22-41573033-G-A.
Other names: c.5240G>A, p.Arg1747Gln (NM_001362843.2); short protein forms R1773Q, R1747Q.
Identifiers: ClinVar variation 5002156 (VCV005002156.1).